The following is an entry in ClinVar:

NM_012471.3(TRPC5):c.2787A>G (p.Ala929=)

Gene: TRPC5 (transient receptor potential cation channel subfamily C member 5; minus strand). Cytogenetic location: Xq23.
Variant type: single nucleotide variant.
Coding change: c.2787A>G on transcript NM_012471.3 (MANE Select); coding-DNA position 2787, A replaced by G.
Protein change: p.Ala929=; no amino-acid change (alanine 929 retained).
Molecular consequence: synonymous variant.
Genome position (GRCh38, 1-based): chrX:111,776,448, T>C on the plus strand (A>G on the coding strand, the complement: TRPC5 is on the minus strand). VCF-style: chrX-111776448-T-C. GRCh37 (hg19) VCF-style: chrX-111019676-T-C.
Identifiers: ClinVar variation 3353757 (VCV003353757.1).

ClinVar aggregate classification (germline): Likely benign (0 of 4 stars; one submission).

Conditions:
TRPC5-related disorder. Also called: TRPC5-related condition.

gnomAD v4.1: 2 of 1,209,692 alleles (0.00017%); highest among the groups gnomAD compares: African/African-American, 0.0035%; no homozygotes.

Submission:

PreventionGenetics, part of Exact Sciences
Classification: Likely benign for TRPC5-related condition. Last evaluated: 2024-01-02. Review status: no assertion criteria provided. Collection method: clinical testing. Allele origin: germline.
Comment: This variant is classified as likely benign based on ACMG/AMP sequence variant interpretation guidelines (Richards et al. 2015 PMID: 25741868, with internal and published modifications).